The following is an entry in ClinVar:

NM_145239.3(PRRT2):c.721G>A (p.Gly241Ser)

Genes: MVP-DT (MVP divergent transcript; minus strand), PRRT2 (proline rich transmembrane protein 2; plus strand). Cytogenetic location: 16p11.2.
Variant type: single nucleotide variant.
Coding change: c.721G>A on transcript NM_145239.3 (MANE Select); coding-DNA position 721, G replaced by A.
Protein change: p.Gly241Ser; replaces glycine 241 with serine.
Molecular consequence: missense variant.
Genome position (GRCh38, 1-based): chr16:29,813,775, G>A. VCF-style: chr16-29813775-G-A. GRCh37 (hg19) VCF-style: chr16-29825096-G-A.
Other names: c.721G>A, p.Gly241Ser (NM_001256442.2, NM_001256443.2); short protein forms G241S.
Identifiers: ClinVar variation 1034536 (VCV001034536.11), dbSNP rs1376127932, ClinGen allele CA395479385.

ClinVar aggregate classification (germline): Uncertain significance. Review status: criteria provided, multiple submitters, no conflicts (2 of 4 stars). 2 submissions from 2 submitters: Uncertain significance (2). Last evaluated 2025-07-22.

Conditions:
Episodic kinesigenic dyskinesia (EKD). Also called: Paroxysmal kinesigenic dyskinesia. Identifiers: Orphanet 98809, MedGen C1868682, MONDO:0044202.

Allele frequency attached by ClinVar (database versions not stated): TOPMed below 0.00001; gnomAD exomes below 0.00001.

Submissions (2):

Dasa
Classification: Uncertain significance. Last evaluated: 2025-07-22. Review status: criteria provided, single submitter. Criteria: DASA Assertion Criteria. Collection method: clinical testing. Allele origin: germline.
Comment: NM_145239.3(PRRT2):c.721G>A (p.Gly241Ser) is a missense variant that results in the substitution of glycine with serine. This variant is rare in population databases. Computational prediction algorithms are consistent with a benign effect. The currently available literature and clinical evidence are not sufficient to establish a definitive association between this variant and the reported condition. Therefore, this variant is classified as a variant of uncertain significance.

Labcorp Genetics (formerly Invitae), Labcorp
Classification: Uncertain significance for Episodic kinesigenic dyskinesia. Last evaluated: 2024-10-12. Review status: criteria provided, single submitter. Criteria: Invitae Variant Classification Sherloc (09022015). Collection method: clinical testing. Allele origin: germline.
Comment: This sequence change replaces glycine, which is neutral and non-polar, with serine, which is neutral and polar, at codon 241 of the PRRT2 protein (p.Gly241Ser). This variant is not present in population databases (gnomAD no frequency). This variant has not been reported in the literature in individuals affected with PRRT2-related conditions. ClinVar contains an entry for this variant (Variation ID: 1034536). Invitae Evidence Modeling of protein sequence and biophysical properties (such as structural, functional, and spatial information, amino acid conservation, physicochemical variation, residue mobility, and thermodynamic stability) indicates that this missense variant is not expected to disrupt PRRT2 protein function with a negative predictive value of 95%. In summary, the available evidence is currently insufficient to determine the role of this variant in disease. Therefore, it has been classified as a Variant of Uncertain Significance.